The following is an entry in ClinVar:

NM_001164277.2(SLC37A4):c.930C>T (p.Gly310=)

Gene: SLC37A4 (solute carrier family 37 member 4; minus strand). Cytogenetic location: 11q23.3.
Variant type: single nucleotide variant.
Coding change: c.930C>T on transcript NM_001164277.2 (MANE Select); coding-DNA position 930, C replaced by T.
Protein change: p.Gly310=; no amino-acid change (glycine 310 retained).
Molecular consequence: synonymous variant.
Genome position (GRCh38, 1-based): chr11:119,026,021, G>A on the plus strand (C>T on the coding strand, the complement: SLC37A4 is on the minus strand). VCF-style: chr11-119026021-G-A. GRCh37 (hg19) VCF-style: chr11-118896731-G-A.
Other names: p.Gly310=; c.930C>T, p.Gly310= (NM_001164278.2, NM_001164280.2, NM_001467.6); c.711C>T, p.Gly237= (NM_001164279.2).
Identifiers: ClinVar variation 593259 (VCV000593259.20), dbSNP rs148971334, ClinGen allele CA6311689.
Genomic context (GRCh38, chr11:119,026,021, plus strand): 5'-AATTACCTTGGGGGAGTCACTGGTCACTGTTACCCGGAAGAGGTACATGGACACTGTCAT[G>A]CCAGCCATCATGAACAGCAACAGGCCATGGCGAGGGTTCCCGTAGTTGGACAGTCCCGCC-3'
Protein context (NP_001157749.1, residues 300-320): RHGLLLFMMA[Gly310=]MTVSMYLFRV

ClinVar aggregate classification (germline): Conflicting classifications of pathogenicity. Review status: criteria provided, conflicting classifications (1 of 4 stars). 5 submissions from 5 submitters: Uncertain significance (3); Likely benign (2). Last evaluated 2026-06-16.

Conditions:
Glucose-6-phosphate transport defect (GSD1B). Also called: Glycogen Storage Disease Type Ib; GSD Ib. Identifiers: Orphanet 364, Orphanet 79259, MedGen C0268146, MONDO:0009288, OMIM 232220.
SLC37A4-related disorder. Also called: SLC37A4-related condition.

Allele frequency attached by ClinVar (database versions not stated): gnomAD exomes 0.00005 and 0.00010; ExAC 0.00018; 1000 Genomes Project 30x 0.00047; TOPMed 0.00050; gnomAD 0.00052 and 0.00053; ESP Exome Variant Server 0.00055; 1000 Genomes Project 0.00060.

Submissions (5):

PreventionGenetics, part of Exact Sciences
Classification: Uncertain significance for SLC37A4-related condition. Last evaluated: 2026-06-16. Review status: criteria provided, single submitter. Criteria: ACMG Guidelines, 2015. Collection method: clinical testing. Allele origin: germline.
Comment: The SLC37A4 c.930C>T variant is not predicted to result in an amino acid change (p.=). This variant is not predicted to result in an amino acid substitution, although available splicing prediction programs indicate that the c.930C>T nucleotide change may result in the creation of a novel splice donor site within an exon (Alamut Visual v2.11). However, computer predictions are not equivalent to functional evidence. To our knowledge, this variant has not been reported in the literature, although it has been observed in ~0.16% of the African population in gnomAD. Although we suspect this variant may possibly be benign, its clinical significance is currently uncertain due to the absence of conclusive functional and genetic evidence. This variant is not eligible for no-cost family follow-up testing.

Labcorp Genetics (formerly Invitae), Labcorp
Classification: Likely benign for Glucose-6-phosphate transport defect. Last evaluated: 2026-01-26. Review status: criteria provided, single submitter. Criteria: Invitae Variant Classification Sherloc (09022015). Collection method: clinical testing. Allele origin: germline.

GeneDx
Classification: Uncertain significance. Last evaluated: 2025-01-10. Review status: criteria provided, single submitter. Criteria: GeneDx Variant Classification Process June 2021. Collection method: clinical testing. Allele origin: germline. Affected: yes.
Comment: In silico analysis suggests this variant may impact gene splicing. In the absence of RNA/functional studies, the actual effect of this sequence change is unknown.; Has not been previously published as pathogenic or benign to our knowledge

Mayo Clinic Laboratories, Mayo Clinic
Classification: Likely benign. Last evaluated: 2024-12-16. Review status: criteria provided, single submitter. Criteria: ACMG Guidelines, 2015. Collection method: clinical testing. Allele origin: germline. Observed: 2 variant alleles.
Comment: BS1, BP4, BP7

Eurofins Ntd Llc (ga)
Classification: Uncertain significance. Last evaluated: 2017-07-26. Review status: criteria provided, single submitter. Criteria: EGL Classification Definitions 2015. Collection method: clinical testing. Allele origin: germline. Observed: 1 variant allele, 1 heterozygote.